The following is an entry in ClinVar:

NM_000059.4(BRCA2):c.370del (p.Met124fs)

Gene: BRCA2 (BRCA2 DNA repair associated; plus strand). Cytogenetic location: 13q13.1.
Variant type: Deletion.
Coding change: c.370del on transcript NM_000059.4 (MANE Select); coding-DNA position 370, one base deleted (A; older notation c.370delA).
Protein change: p.Met124fs; shifts the reading frame from methionine 124.
Molecular consequence: frameshift variant.
Genome position (GRCh38, 1-based): chr13:32,325,129, A deleted; the last of 4 consecutive A bases (chr13:32,325,126-32,325,129); deleting any one gives the same sequence. VCF-style (leftmost placement, unchanged base first): chr13-32325125-TA-T. GRCh37 (hg19) VCF-style: chr13-32899262-TA-T.
Other names: 598delA; c.370delA (NM_000059.3).
Identifiers: ClinVar variation 51510 (VCV000051510.16), dbSNP rs397507681, ClinGen allele CA018631.

ClinVar aggregate classification (germline): Pathogenic. Review status: reviewed by expert panel (3 of 4 stars). 5 submissions from 5 submitters: Pathogenic (1). 4 of the submissions do not count toward it. Last evaluated 2016-10-18.

Conditions:
Hereditary cancer-predisposing syndrome. Also called: Neoplastic Syndromes, Hereditary; Tumor predisposition; Hereditary Cancer Syndrome; Hereditary neoplastic syndrome. Identifiers: Orphanet 140162, MedGen C0027672, MeSH D009386, MONDO:0015356.
Hereditary breast ovarian cancer syndrome. Also called: Hereditary breast and ovarian cancer syndrome; Hereditary breast and ovarian cancer; Hereditary breast and ovarian cancer syndrome (HBOC); Breast and ovarian cancer; Hereditary breast and/or ovarian cancer syndrome; BRCA1- and BRCA2-Associated Hereditary Breast and Ovarian Cancer. Identifiers: Orphanet 145, MedGen C0677776, MeSH D061325, MONDO:0003582. Disease mechanism: loss of function.
Breast-ovarian cancer, familial, susceptibility to, 2 (BROVCA2). Also called: BRCA2 Hereditary Breast and Ovarian Cancer. Identifiers: Orphanet 145, MedGen C2675520, MONDO:0012933, OMIM 612555. Disease mechanism: loss of function.

Submissions (5):

Evidence-based Network for the Interpretation of Germline Mutant Alleles (ENIGMA)
Classification: Pathogenic for Breast-ovarian cancer, familial, susceptibility to, 2. Last evaluated: 2016-10-18. Review status: reviewed by expert panel. Criteria: ENIGMA BRCA1/2 Classification Criteria (2015). Collection method: curation. Allele origin: germline.
Comment: Variant allele predicted to encode a truncated non-functional protein.

Molecular Diagnostics Laboratory, Catalan Institute of Oncology
Classification: Pathogenic for Hereditary cancer-predisposing syndrome. Last evaluated: 2024-11-11. Review status: criteria provided, single submitter. Criteria: ClinGen BRCA1BRCA2 ACMG Specifications BRCA2 V1.0.0. Collection method: clinical testing. Allele origin: germline. Not counted in ClinVar's aggregate classification.
Comment: PVS1, PM5_PTC_Strong c.370del, located in exon 4 of the BRCA2 gene, consistis in the deletion of 1 nucleotide, causing a translational frameshift with a predicted alternate stop codon, p.(Met124Trpfs*12) (PVS1, PM5_PTC_Strong). This alteration is expected to result in loss of function by premature protein truncation and nonsense-mediated mRNA decay (PVS1, PM5_PTC_Strong). No effect is predicted on splicing by SpliceAI. It is not present in the population exome database gnomAD v2.1.1, exome non-cancer data set . To our knowledge, neither relevant clinical data nor well-stablished functional studies have been reported for this variant. In addition, the variant was also identified in the following databases: BRCA Exchange (PAT), ClinVar*** (4x pathogenic, one of this by VCEP), and LOVD (3x pathogenic, 1x NA) Based on currently available information, the variant c.370del is classified as a pathogenic variant according to ClinGen-BRCA1 and BRCA2 Guidelines version 1.0.0.

Ambry Genetics
Classification: Pathogenic for Hereditary cancer-predisposing syndrome. Last evaluated: 2024-05-03. Review status: criteria provided, single submitter. Criteria: Ambry Variant Classification Scheme 2023. Collection method: clinical testing. Allele origin: germline. Not counted in ClinVar's aggregate classification.
Comment: The c.370delA pathogenic mutation, located in coding exon 3 of the BRCA2 gene, results from a deletion of one nucleotide at nucleotide position 370, causing a translational frameshift with a predicted alternate stop codon (p.M124Wfs*12). This mutation has been identified in multiple individuals and/or families at risk for hereditary breast and ovarian cancer (HBOC) syndrome (Esteban Carde&ntilde;osa E et al. Breast Cancer Res. Treat. 2010 May;121:257-60; de Juan Jim&eacute;nez I et al. Fam. Cancer 2013 Dec;12:767-77; Kang E et al. Breast Cancer Res. Treat. 2015 May;151:157-68; Cruz-Correa M et al. Hered Cancer Clin Pract. 2017 Jan;15:3). Of note, this alteration is also designated as 598delA in published literature. This variant is considered to be rare based on population cohorts in the Genome Aggregation Database (gnomAD). In addition to the clinical data presented in the literature, this alteration is expected to result in loss of function by premature protein truncation or nonsense-mediated mRNA decay. As such, this alteration is interpreted as a disease-causing mutation.

Labcorp Genetics (formerly Invitae), Labcorp
Classification: Pathogenic for Hereditary breast ovarian cancer syndrome. Last evaluated: 2021-11-19. Review status: criteria provided, single submitter. Criteria: Invitae Variant Classification Sherloc (09022015). Collection method: clinical testing. Allele origin: germline. Not counted in ClinVar's aggregate classification.
Comment: ClinVar contains an entry for this variant (Variation ID: 51510). For these reasons, this variant has been classified as Pathogenic. This variant is also known as 598delA. This premature translational stop signal has been observed in individual(s) with breast and/or ovarian cancer (PMID: 20033483, 25863477). This variant is not present in population databases (gnomAD no frequency). This sequence change creates a premature translational stop signal (p.Met124Trpfs*12) in the BRCA2 gene. It is expected to result in an absent or disrupted protein product. Loss-of-function variants in BRCA2 are known to be pathogenic (PMID: 20104584).

Consortium of Investigators of Modifiers of BRCA1/2 (CIMBA), c/o University of Cambridge
Classification: Pathogenic for Breast-ovarian cancer, familial, susceptibility to, 2. Last evaluated: 2015-10-02. Review status: criteria provided, single submitter. Criteria: CIMBA Mutation Classification guidelines May 2016. Collection method: clinical testing. Allele origin: germline. Not counted in ClinVar's aggregate classification.

Literature cited by the submitters: PubMed 20033483 (cited by Ambry Genetics and Labcorp Genetics (formerly Invitae), Labcorp); PubMed 23479189 (cited by Ambry Genetics); PubMed 25863477 (cited by Ambry Genetics and Labcorp Genetics (formerly Invitae), Labcorp); PubMed 28127413 (cited by Ambry Genetics); PubMed 20104584 (cited by Labcorp Genetics (formerly Invitae), Labcorp).